The following is an entry in ClinVar:

ClinVar aggregate classification (germline): Conflicting classifications of pathogenicity. Review status: criteria provided, conflicting classifications (1 of 4 stars). 8 submissions from 8 submitters: Uncertain significance (6); Likely benign (2). Last evaluated 2026-01-26.

Conditions:
Familial long QT syndrome (RWS). Also called: VENTRICULAR FIBRILLATION WITH PROLONGED QT INTERVAL; Romano-Ward syndrome; Congenital long QT syndrome. Identifiers: Orphanet 768, MedGen C1141890, MONDO:0019171.
Long QT syndrome (LQTS). Identifiers: MedGen C0023976, MeSH D008133, MONDO:0002442. Disease mechanism: loss of function. Inheritance: Various modes of inheritance.
Long QT syndrome 12 (LQT12). Identifiers: Orphanet 101016, Orphanet 768, MedGen C2751830, MONDO:0013062, OMIM 612955.
Cardiovascular phenotype. Identifiers: MedGen CN230736.

Allele frequency attached by ClinVar (database versions not stated): TOPMed 0.00014; ESP Exome Variant Server 0.00015; gnomAD exomes 0.00026; ExAC 0.00030; gnomAD 0.00051 and 0.00054.
gnomAD v4.1: 417 of 1,613,582 alleles (0.026%); highest among the groups gnomAD compares: Non-Finnish European, 0.029%; no homozygotes.

Submissions (8):

Labcorp Genetics (formerly Invitae), Labcorp
Classification: Uncertain significance for Long QT syndrome. Last evaluated: 2026-01-26. Review status: criteria provided, single submitter. Criteria: Invitae Variant Classification Sherloc (09022015). Collection method: clinical testing. Allele origin: germline.
Comment: This sequence change replaces alanine, which is neutral and non-polar, with serine, which is neutral and polar, at codon 263 of the SNTA1 protein (p.Ala263Ser). This variant is present in population databases (rs150576530, gnomAD 0.09%), and has an allele count higher than expected for a pathogenic variant. This missense change has been observed in individual(s) with atrial fibrillation (PMID: 28837624). ClinVar contains an entry for this variant (Variation ID: 190914). Invitae Evidence Modeling of protein sequence and biophysical properties (such as structural, functional, and spatial information, amino acid conservation, physicochemical variation, residue mobility, and thermodynamic stability) indicates that this missense variant is not expected to disrupt SNTA1 protein function with a negative predictive value of 80%. In summary, the available evidence is currently insufficient to determine the role of this variant in disease. Therefore, it has been classified as a Variant of Uncertain Significance.

GeneDx
Classification: Uncertain significance. Last evaluated: 2025-05-08. Review status: criteria provided, single submitter. Criteria: GeneDx Variant Classification Process June 2021. Collection method: clinical testing. Allele origin: germline. Affected: yes.
Comment: In silico analysis suggests that this missense variant does not alter protein structure/function; This variant is associated with the following publications: (PMID: Yakoba2021[article], Komissarova2020[article], Komissarova2022[Article], Yakoba2020[article], 23861362, 28837624)

Petrovsky National Research Centre of Surgery, The Federal Agency for Scientific Organizations
Classification: Likely benign for Familial long QT syndrome. Last evaluated: 2023-08-08. Review status: criteria provided, single submitter. Criteria: ACMG Guidelines, 2015. Collection method: clinical testing. Allele origin: germline. Affected: yes.
Comment: This variant is in The Genome Aggregation Database (gnomAD) v2.1.1 with total MAF 0.0004748 (Date of access 08-08-2023). Clinvar contains entry for this variant (Variation ID: 190914). This variant has been reported in 2 studies in patients with variable phenotypes (PMID: 28837624, 23861362). Most in silico predictors show benign result of the protein change. In accordance with ACMG(2015) criteria and enhanced rare variant interpretation in inherited arrhythmias (PMID: 32893267) this variant is classified as Likely benign with following criteria selected: BS1, BP4.

Ambry Genetics
Classification: Likely benign for Cardiovascular phenotype. Last evaluated: 2019-05-20. Review status: criteria provided, single submitter. Criteria: Ambry Variant Classification Scheme 2023. Collection method: clinical testing. Allele origin: germline.

MVZ Martinsried, Medicover Genetics
Classification: Uncertain significance for Long QT syndrome 12. Last evaluated: 2018-04-12. Review status: criteria provided, single submitter. Criteria: ACMG Guidelines, 2015. Collection method: clinical testing. Allele origin: unknown. Affected: yes.

Illumina Laboratory Services, Illumina
Classification: Uncertain significance for Long QT syndrome 12. Last evaluated: 2018-01-13. Review status: criteria provided, single submitter. Criteria: ICSL Variant Classification Criteria 13 December 2019. Collection method: clinical testing. Allele origin: germline.

ARUP Laboratories, Molecular Genetics and Genomics, ARUP Laboratories
Classification: Uncertain significance. Last evaluated: 2017-03-11. Review status: criteria provided, single submitter. Criteria: ARUP Molecular Germline Variant Investigation Process. Collection method: clinical testing. Allele origin: germline.

Biesecker Lab/Clinical Genomics Section, National Institutes of Health
Classification: Uncertain significance. Last evaluated: 2013-06-24. Review status: criteria provided, single submitter. Criteria: Ng et al. (Circ Cardiovasc Genet. 2013). Collection method: research. Allele origin: unknown. Observed: 1 variant allele. Study: ClinSeq.
Comment: The study set was not selected for affection status in relation to any cancer. Pathogenicity categories were based on literature curation. See Pubmed ID:23861362 for details.

Medical sequencing

Literature cited by the submitters: PubMed 28837624 (cited by 3 submitters); PubMed 23861362 (cited by Petrovsky National Research Centre of Surgery, The Federal Agency for Scientific Organizations and Ambry Genetics); PubMed 32893267 (cited by Petrovsky National Research Centre of Surgery, The Federal Agency for Scientific Organizations).

NM_003098.3(SNTA1):c.787G>T (p.Ala263Ser)

Gene: SNTA1 (syntrophin alpha 1; minus strand). Cytogenetic location: 20q11.21.
Variant type: single nucleotide variant.
Coding change: c.787G>T on transcript NM_003098.3 (MANE Select); coding-DNA position 787, G replaced by T.
Protein change: p.Ala263Ser; replaces alanine 263 with serine.
Molecular consequence: missense variant.
Genome position (GRCh38, 1-based): chr20:33,412,697, C>A on the plus strand (G>T on the coding strand, the complement: SNTA1 is on the minus strand). VCF-style: chr20-33412697-C-A. GRCh37 (hg19) VCF-style: chr20-32000503-C-A.
Other names: p.A263S:GCC>TCC; p.Ala263Ser; short protein forms A263S.
Identifiers: ClinVar variation 190914 (VCV000190914.37), dbSNP rs150576530, ClinGen allele CA235719.